The following is an entry in ClinVar:

ClinVar aggregate classification (germline): Uncertain significance (1 of 4 stars; one submission).

Submission:

GeneDx
Classification: Uncertain significance. Last evaluated: 2023-10-20. Review status: criteria provided, single submitter. Criteria: GeneDx Variant Classification Process June 2021. Collection method: clinical testing. Allele origin: germline. Affected: yes.
Comment: Not observed at significant frequency in large population cohorts (gnomAD); In silico analysis supports that this missense variant does not alter protein structure/function; Has not been previously published as pathogenic or benign to our knowledge

NM_015001.3(SPEN):c.1850G>A (p.Arg617Lys)

Gene: SPEN (spen family transcriptional repressor; plus strand). Cytogenetic location: 1p36.13.
Variant type: single nucleotide variant.
Coding change: c.1850G>A on transcript NM_015001.3 (MANE Select); coding-DNA position 1850, G replaced by A.
Protein change: p.Arg617Lys; replaces arginine 617 with lysine.
Molecular consequence: missense variant.
Genome position (GRCh38, 1-based): chr1:15,922,349, G>A. VCF-style: chr1-15922349-G-A. GRCh37 (hg19) VCF-style: chr1-16248844-G-A.
Other names: short protein forms R617K.
Identifiers: ClinVar variation 3363393 (VCV003363393.1).